The following is an entry in ClinVar:

NM_000937.5(POLR2A):c.1625_1628del (p.Leu542fs)

Gene: POLR2A (RNA polymerase II subunit A; plus strand). Cytogenetic location: 17p13.1.
Variant type: Deletion.
Coding change: c.1625_1628del on transcript NM_000937.5 (MANE Select); coding-DNA positions 1625 to 1628, 4 bases deleted (TCAC; older notation c.1625_1628delTCAC).
Protein change: p.Leu542fs; shifts the reading frame from leucine 542.
Molecular consequence: frameshift variant.
Genome position (GRCh38, 1-based): chr17:7,499,445-7,499,448, TCAC deleted; deleting any 4 consecutive bases within chr17:7,499,442-7,499,448 gives the same sequence; the c. name uses the placement nearest the transcript's 3' end. VCF-style (leftmost placement, unchanged base first): chr17-7499441-ACACT-A. GRCh37 (hg19) VCF-style: chr17-7402760-ACACT-A.
Other names: c.1625_1628delTCAC (NM_000937.4); short protein forms L542fs.
Identifiers: ClinVar variation 2575536 (VCV002575536.2), dbSNP rs1567702408, ClinGen allele CA919785216.

ClinVar aggregate classification (germline): Uncertain significance. Review status: criteria provided, multiple submitters, no conflicts (2 of 4 stars). 2 submissions from 2 submitters: Uncertain significance (2). Last evaluated 2023-02-13.

Conditions:
POLR2A-related disorder. Also called: POLR2A-related condition.

Submissions (2):

GeneDx
Classification: Uncertain significance. Last evaluated: 2023-02-13. Review status: criteria provided, single submitter. Criteria: GeneDx Variant Classification Process June 2021. Collection method: clinical testing. Allele origin: germline. Affected: yes.
Comment: Frameshift variant predicted to result in protein truncation or nonsense mediated decay in a gene or region of a gene for which loss of function is not a well-established mechanism of disease; Has not been previously published as pathogenic or benign to our knowledge

PreventionGenetics, part of Exact Sciences
Classification: Uncertain significance for POLR2A-related condition. Last evaluated: 2023-01-05. Review status: criteria provided, single submitter. Criteria: ACMG Guidelines, 2015. Collection method: clinical testing. Allele origin: germline.
Comment: The POLR2A c.1625_1628delTCAC variant is predicted to result in a frameshift and premature protein termination (p.Leu542Glnfs*18). To our knowledge, this variant has not been reported in the literature. This variant is reported in 0.00088% of alleles in individuals of European (Non-Finnish) descent in gnomAD. Although we suspect that this variant may be pathogenic, at this time, the clinical significance of this variant is uncertain due to the absence of conclusive functional and genetic evidence.